The following is an entry in ClinVar:

NM_000404.4(GLB1):c.1583del (p.Gly528fs)

Gene: GLB1 (galactosidase beta 1; minus strand). Cytogenetic location: 3p22.3.
Variant type: Deletion.
Coding change: c.1583del on transcript NM_000404.4 (MANE Select); coding-DNA position 1583, one base deleted (G; older notation c.1583delG).
Protein change: p.Gly528fs; shifts the reading frame from glycine 528.
Molecular consequence: frameshift variant.
Genome position (GRCh38, 1-based): chr3:33,014,207, C deleted on the plus strand (G on the coding strand, the reverse complement: GLB1 is on the minus strand); the first of 4 consecutive C bases (chr3:33,014,207-33,014,210); deleting any one gives the same sequence. VCF-style (leftmost placement, unchanged base first): chr3-33014206-TC-T. GRCh37 (hg19) VCF-style: chr3-33055698-TC-T.
Other names: c.1493del, p.Gly498fs (NM_001079811.3); c.1190del, p.Gly397fs (NM_001135602.3); c.1727del, p.Gly576fs (NM_001317040.2); c.1583del, p.Gly528fs (NM_001393580.1); short protein forms G498fs, G397fs, G576fs, G528fs.
Identifiers: ClinVar variation 2954179 (VCV002954179.3), dbSNP rs2471248603, ClinGen allele CA2740094317.
Genomic context (GRCh38, chr3:33,014,206, plus strand): 5'-GAGCGTGTAGTTGGATGAGTTGTGGGCCCAGGCTTCATCATGGTGGCCACTGTCACGGTG[TC>T]CCCAGCCCCCCAGGTGGCTGCACACTGCATCCTCAGTGTCCAGTGGAAAGATCGTCCAGT-3'

ClinVar aggregate classification (germline): Pathogenic (1 of 4 stars; one submission).

Conditions:
Mucopolysaccharidosis, MPS-IV-B (MPS4B). Also called: Mucopolysaccharidosis type 4B; Mucopolysaccharidosis type IVB (Morquio); MPS IVB; MORQUIO SYNDROME B; Mucopolysaccharidosis type IV B; Mucopolysaccharidosis Type IVB. Identifiers: Orphanet 309310, Orphanet 582, MedGen C0086652, MONDO:0009660, OMIM 253010.
GM1 gangliosidosis. Identifiers: Orphanet 354, MedGen C0085131, MONDO:0018149.

Submission:

Labcorp Genetics (formerly Invitae), Labcorp
Classification: Pathogenic for Mucopolysaccharidosis, MPS-IV-B; GM1 gangliosidosis. Last evaluated: 2023-11-24. Review status: criteria provided, single submitter. Criteria: Invitae Variant Classification Sherloc (09022015). Collection method: clinical testing. Allele origin: germline.
Comment: This sequence change creates a premature translational stop signal (p.Gly528Aspfs*72) in the GLB1 gene. While this is not anticipated to result in nonsense mediated decay, it is expected to disrupt the last 150 amino acid(s) of the GLB1 protein. This variant is not present in population databases (gnomAD no frequency). This variant has not been reported in the literature in individuals affected with GLB1-related conditions. This variant disrupts a region of the GLB1 protein in which other variant(s) (p.Arg590Cys) have been determined to be pathogenic (PMID: 16941474, 17309651, 17664528, 23430803). This suggests that this is a clinically significant region of the protein, and that variants that disrupt it are likely to be disease-causing. For these reasons, this variant has been classified as Pathogenic.

Literature cited by the submitters: PubMed 16941474; PubMed 17309651; PubMed 17664528; PubMed 23430803.